The following is an entry in ClinVar:

ClinVar aggregate classification (germline): Pathogenic. Review status: criteria provided, multiple submitters, no conflicts (2 of 4 stars). 4 submissions from 4 submitters: Pathogenic (3). 1 of the submissions does not count toward it. Last evaluated 2022-11-04.

Conditions:
NUS1-related disorder. Also called: NUS1-related condition; NUS1-Related Disorders. Identifiers: MedGen CN382504, MONDO:1060287.
Intellectual developmental disorder, autosomal dominant 55, with seizures. Also called: MENTAL RETARDATION, AUTOSOMAL DOMINANT 55, WITH SEIZURES; Intellectual disability, autosomal dominant 55, with seizures. Identifiers: MedGen C4693371, MONDO:0030921, OMIM 617831.

Submissions (4):

Blueprint Genetics
Classification: Pathogenic for NUS1-related disorders. Last evaluated: 2022-11-04. Review status: criteria provided, single submitter. Criteria: ACMG Guidelines, 2015. Collection method: clinical testing. Allele origin: germline. Affected: yes. Observed: 1 variant allele.

Victorian Clinical Genetics Services, Murdoch Childrens Research Institute
Classification: Pathogenic for Intellectual developmental disorder, autosomal dominant 55, with seizures. Last evaluated: 2022-02-02. Review status: criteria provided, single submitter. Criteria: ACMG Guidelines, 2015. Collection method: clinical testing. Allele origin: germline. Inheritance: Autosomal dominant inheritance.
Comment: Based on the classification scheme VCGS_Germline_v1.3.4, this variant is classified as Pathogenic. Following criteria are met: 0102 - Loss of function is a known mechanism of disease in this gene and is associated with autosomal recessive congenital disorder of glycosylation, type 1aa (MIM#617082) and autosomal dominant intellectual disability, 55, with seziures (MIM#617831). (I) 0107 - This gene is associated with autosomal dominant disease. A single homozygous missense variant has been reported to cause recessive disease (OMIM, PMID: 25066056), whereas all other variants have been reported in association with the dominant condition (PMIDs: 29100083, 31656175, 32485575). (I) 0201 - Variant is predicted to cause nonsense-mediated decay (NMD) and loss of protein (premature termination codon is located at least 54 nucleotides upstream of the final exon-exon junction). (SP) 0251 - This variant is heterozygous. (I) 0301 - Variant is absent from gnomAD (both v2 and v3). (SP) 0702 - Other NMD predicted variants comparable to the one identified in this case have strong previous evidence for pathogenicity (DECIPHER). (SP) 0802 - This variant has moderate previous evidence of pathogenicity in unrelated individuals. This variant has been observed in two individuals with NUS1-related conditions, including one de novo report (ClinVar, PMID: 29100083). (SP) 0905 - No published segregation evidence has been identified for this variant. (I) 1007 - No published functional evidence has been identified for this variant. (I) 1208 - Inheritance information for this variant is not currently available in this individual. (I) Legend: (SP) - Supporting pathogenic, (I) - Information, (SB) - Supporting benign

CeGaT Center for Human Genetics Tuebingen
Classification: Pathogenic. Last evaluated: 2019-01-01. Review status: criteria provided, single submitter. Criteria: CeGaT Center For Human Genetics Tuebingen Variant Classification Criteria Version 2. Collection method: clinical testing. Allele origin: germline. Affected: yes. Observed: 1 variant allele.

OMIM
Classification: Pathogenic for INTELLECTUAL DEVELOPMENTAL DISORDER, AUTOSOMAL DOMINANT 55, WITH SEIZURES. Last evaluated: 2021-10-20. Review status: no assertion criteria provided. Collection method: literature only. Allele origin: germline. Not counted in ClinVar's aggregate classification.

Literature cited by the submitters: PubMed 25066056 (cited by Victorian Clinical Genetics Services, Murdoch Childrens Research Institute); PubMed 29100083 (cited by Victorian Clinical Genetics Services, Murdoch Childrens Research Institute and OMIM); PubMed 31656175 (cited by Victorian Clinical Genetics Services, Murdoch Childrens Research Institute); PubMed 32485575 (cited by Victorian Clinical Genetics Services, Murdoch Childrens Research Institute).

NM_138459.5(NUS1):c.128_141dup (p.Val48fs)

Gene: NUS1 (NUS1 dehydrodolichyl diphosphate synthase subunit; plus strand). Cytogenetic location: 6q22.1.
Variant type: Duplication.
Coding change: c.128_141dup on transcript NM_138459.5 (MANE Select); coding-DNA positions 128 to 141, 14 bases duplicated (CCGCCTCTGCCGCG).
Protein change: p.Val48fs; shifts the reading frame from valine 48.
Molecular consequence: frameshift variant.
Genome position (GRCh38, 1-based): chr6:117,675,798-117,675,811, CCGCCTCTGCCGCG duplicated; duplicating any 14 consecutive bases within chr6:117,675,790-117,675,811 gives the same sequence; the c. name uses the placement nearest the transcript's 3' end. VCF-style (leftmost placement, unchanged base first): chr6-117675789-G-GCTGCCGCGCCGCCT. GRCh37 (hg19) VCF-style: chr6-117996952-G-GCTGCCGCGCCGCCT.
Other names: short protein forms V48fs.
Identifiers: ClinVar variation 487687 (VCV000487687.46), dbSNP rs1554200722, ClinGen allele CA658657609.